The following is an entry in ClinVar:

ClinVar aggregate classification (germline): Conflicting classifications of pathogenicity. Review status: criteria provided, conflicting classifications (1 of 4 stars). 6 submissions from 6 submitters: Likely pathogenic (5); Uncertain significance (1). Last evaluated 2026-10-15.

Conditions:
STXBP2-related disorder. Also called: STXBP2-related condition.
Familial hemophagocytic lymphohistiocytosis (FHL). Also called: Familial erythrophagocytic lymphohistiocytosis; Familial histiocytic reticulosis; Hereditary hemophagocytic lymphohistiocytosis. Identifiers: Orphanet 158038, Orphanet 540, MedGen C0272199, MONDO:0015541.
Inborn genetic diseases. Identifiers: MedGen C0950123, MeSH D030342.
Familial hemophagocytic lymphohistiocytosis 5. Also called: STXBP2-Related Familial Hemophagocytic Lymphohistiocytosis (STXBP2-fHLH). Identifiers: Orphanet 540, MedGen C2751293, MONDO:0013135, OMIM 613101.

Allele frequency attached by ClinVar (database versions not stated): gnomAD exomes below 0.00001; gnomAD 0.00008 and 0.00009; TOPMed 0.00022.
gnomAD v4.1: 21 of 1,614,036 alleles (0.0013%); highest among the groups gnomAD compares: Admixed American, 0.023%; no homozygotes.

Submissions (6):

GeneDx
Classification: Likely pathogenic. Last evaluated: 2026-10-15. Review status: criteria provided, single submitter. Criteria: GeneDx Variant Classification Process June 2021. Collection method: clinical testing. Allele origin: germline.
Comment: Observed with a partial deletion of the STXBP2 gene in a patient with features of hemophagocytic lymphohistiocytosis in published literature, but it is not known whether the variants occurred on the same (in cis) or on different (in trans) chromosomes (PMID: 32542393); Not observed at significant frequency in large population cohorts (gnomAD); In silico analysis supports that this missense variant has a deleterious effect on protein structure/function; This variant is associated with the following publications: (PMID: 32542393, 22791290, 24194549)

Women's Health and Genetics/Laboratory Corporation of America, LabCorp
Classification: Likely pathogenic for Familial hemophagocytic lymphohistiocytosis. Last evaluated: 2025-04-16. Review status: criteria provided, single submitter. Criteria: LabCorp Variant Classification Summary - May 2015. Collection method: clinical testing. Allele origin: germline.
Comment: Variant summary: STXBP2 c.389T>C (p.Leu130Ser) results in a non-conservative amino acid change in the encoded protein sequence. Five of five in-silico tools predict a damaging effect of the variant on protein function. In a structural analysis of of the protein, the variant mapped to the predicted syntaxin and soluble N-ethylmaleimidesensitive factor accessory protein receptor binding sites of Munc18-2 (Hackman_2013). The variant was absent in 251460 control chromosomes. c.389T>C has been reported in the literature in individuals affected with Hemophagocytic Lymphohistiocytosis including one homozygous patient, a compound heterozygous patient with a pathogenic variant on the second allele, and a patient who also carried an exon deletion without phase of the variants specified (AlHawas_2012, Gadoury-Levesque_2020). In experimental studies from a biallelic patient carrying the variant along with a pathogenic variant in trans, Munc18b was undetectable in platelets from the patient, suggesting the variant causes the production of an unstable Munc18b protein. Additionally, platelets from this patient exhibited a severe defect in release from both dense and alpha-granules and ADP/ATP was almost completely absent (Al Hawas_2012). The following publications have been ascertained in the context of this evaluation (PMID: 22791290, 32542393, 24194549). ClinVar contains an entry for this variant (Variation ID: 579782). Based on the evidence outlined above, the variant was classified as likely pathogenic.

Ambry Genetics
Classification: Likely pathogenic for Inborn genetic diseases. Last evaluated: 2025-03-12. Review status: criteria provided, single submitter. Criteria: Ambry Variant Classification Scheme 2023. Collection method: clinical testing. Allele origin: germline.
Comment: The c.389T>C (p.L130S) alteration is located in exon 6 (coding exon 6) of the STXBP2 gene. This alteration results from a T to C substitution at nucleotide position 389, causing the leucine (L) at amino acid position 130 to be replaced by a serine (S). Based on data from gnomAD, the C allele has an overall frequency of 0.003% (1/31360) total alleles studied; however, this variant was flagged as a low confidence call. This variant has been identified in conjunction with other STXBP2 variants in an individual with features consistent with STXBP2-related hemophagocytic lymphohistiocytosis; in this instance, the variants were identified in trans (Al Hawas, 2012). This variant has been identified in the homozygous state and in conjunction with other STXBP2 variants in additional individuals, but clinical details were limited (Gadoury-Levesque, 2020). This amino acid position is highly conserved in available vertebrate species. Based on internal structural analysis, this variant is anticipated to result in a significant decrease in structural stability (Ambry internal data). This alteration is predicted to be deleterious by in silico analysis. Based on the available evidence, this alteration is classified as likely pathogenic.

Labcorp Genetics (formerly Invitae), Labcorp
Classification: Uncertain significance for Familial hemophagocytic lymphohistiocytosis 5. Last evaluated: 2025-01-01. Review status: criteria provided, single submitter. Criteria: Invitae Variant Classification Sherloc (09022015). Collection method: clinical testing. Allele origin: germline.
Comment: This sequence change replaces leucine, which is neutral and non-polar, with serine, which is neutral and polar, at codon 130 of the STXBP2 protein (p.Leu130Ser). The frequency data for this variant in the population databases is considered unreliable, as metrics indicate poor data quality at this position in the gnomAD database. This missense change has been observed in individual(s) with familial hemophagocytic lymphohistiocytosis (PMID: 22791290). In at least one individual the data is consistent with being in trans (on the opposite chromosome) from a pathogenic variant. ClinVar contains an entry for this variant (Variation ID: 579782). Invitae Evidence Modeling of protein sequence and biophysical properties (such as structural, functional, and spatial information, amino acid conservation, physicochemical variation, residue mobility, and thermodynamic stability) indicates that this missense variant is expected to disrupt STXBP2 protein function with a positive predictive value of 95%. In summary, the available evidence is currently insufficient to determine the role of this variant in disease. Therefore, it has been classified as a Variant of Uncertain Significance.

PreventionGenetics, part of Exact Sciences
Classification: Likely pathogenic for STXBP2-related condition. Last evaluated: 2024-12-13. Review status: criteria provided, single submitter. Criteria: ACMG Guidelines, 2015. Collection method: clinical testing. Allele origin: germline.
Comment: The STXBP2 c.389T>C variant is predicted to result in the amino acid substitution p.Leu130Ser. This variant has been reported in the homozygous as well as the compound heterozygous state, and additionally alongside a multi-exon deletion of STXBP2 with phase unspecified, in individuals affected with hemophagocytic lymphohistiocytosis (Al Hawas et al. 2012. PubMed ID: 22791290; Gadoury-Levesque et al. 2020. PubMed ID: 32542393). Consistent with this, in a structural analysis the p.Leu130Ser variant mapped to the N peptide binding site within a syntaxin interaction site at the surface of the protein (Table S2 in Hackmann. 2013. PubMed ID: 24194549). The protein encoded by STXBP2, described as Munc18b, was undetectable in platelets derived from a compound heterozygous patient carrying the c.389T>C (p.Leu130Ser) variant in trans with a pathogenic variant on the second allele (Al Hawas et al. 2012. PubMed ID: 22791290). This variant is reported in 1 heterozygous individual in the "other" subpopulation in gnomAD. Based on the available evidence, we consider this variant to be likely pathogenic.

Rady Children's Institute for Genomic Medicine, Rady Children's Hospital San Diego
Classification: Likely pathogenic for HEMOPHAGOCYTIC LYMPHOHISTIOCYTOSIS, FAMILIAL, 5. Review status: criteria provided, single submitter. Criteria: ACMG Guidelines, 2015. Collection method: clinical testing. Allele origin: germline. Affected: yes.
Comment: This variant has been previously reported in the homozygous state and in the heterozygous state together with a second STXBP2 variant in individuals with symptoms of hemophagocytic lymphohistiocytosis (PMID: 32542393, 22791290). The c.389T>C (p.Leu130Ser) variant is present in the heterozygous state in the gnomAD population database at a frequency of 0.003% (1/31360) and thus is presumed to be rare. It affects a highly conserved amino acid and is predicted by multiple in silico tools to have a deleterious effect on protein function. Based on the available evidence, the c.389T>C (p.Leu130Ser) variant is classified as Likely Pathogenic.

Literature cited by the submitters: PubMed 24194549 (cited by Women's Health and Genetics/Laboratory Corporation of America, LabCorp); PubMed 32542393 (cited by Women's Health and Genetics/Laboratory Corporation of America, LabCorp and Ambry Genetics); PubMed 22791290 (cited by 3 submitters).

NM_006949.4(STXBP2):c.389T>C (p.Leu130Ser)

Gene: STXBP2 (syntaxin binding protein 2; plus strand). Cytogenetic location: 19p13.2.
Variant type: single nucleotide variant.
Coding change: c.389T>C on transcript NM_006949.4 (MANE Select); coding-DNA position 389, T replaced by C.
Protein change: p.Leu130Ser; replaces leucine 130 with serine.
Molecular consequence: missense variant. On other transcripts: non-coding transcript variant (1).
Genome position (GRCh38, 1-based): chr19:7,640,963, T>C. VCF-style: chr19-7640963-T-C. GRCh37 (hg19) VCF-style: chr19-7705849-T-C.
Other names: c.380T>C, p.Leu127Ser (NM_001127396.3); c.422T>C, p.Leu141Ser (NM_001272034.2); c.389T>C (NM_006949.2); short protein forms L130S, L141S, L127S.
Identifiers: ClinVar variation 579782 (VCV000579782.20), dbSNP rs930347206, ClinGen allele CA304906363.